The following is an entry in ClinVar:

ClinVar aggregate classification (germline): Uncertain significance (1 of 4 stars; one submission).

Allele frequency attached by ClinVar (database versions not stated): ExAC 0.00007; TOPMed 0.00010; gnomAD 0.00015.
gnomAD v4.1: 48 of 1,614,168 alleles (0.003%); highest among the groups gnomAD compares: African/African-American, 0.051%; no homozygotes.

Submission:

Labcorp Genetics (formerly Invitae), Labcorp
Classification: Uncertain significance. Last evaluated: 2022-02-25. Review status: criteria provided, single submitter. Criteria: Invitae Variant Classification Sherloc (09022015). Collection method: clinical testing. Allele origin: germline.
Comment: This sequence change replaces glycine, which is neutral and non-polar, with glutamic acid, which is acidic and polar, at codon 1986 of the FREM2 protein (p.Gly1986Glu). This variant is present in population databases (rs111283083, gnomAD 0.05%). This variant has not been reported in the literature in individuals affected with FREM2-related conditions. Algorithms developed to predict the effect of missense changes on protein structure and function (SIFT, PolyPhen-2, Align-GVGD) all suggest that this variant is likely to be disruptive. In summary, the available evidence is currently insufficient to determine the role of this variant in disease. Therefore, it has been classified as a Variant of Uncertain Significance.

NM_207361.6(FREM2):c.5957G>A (p.Gly1986Glu)

Gene: FREM2 (FRAS1 related extracellular matrix 2; plus strand). Cytogenetic location: 13q13.3.
Variant type: single nucleotide variant.
Coding change: c.5957G>A on transcript NM_207361.6 (MANE Select); coding-DNA position 5957, G replaced by A.
Protein change: p.Gly1986Glu; replaces glycine 1986 with glutamic acid.
Molecular consequence: missense variant.
Genome position (GRCh38, 1-based): chr13:38,784,746, G>A. VCF-style: chr13-38784746-G-A. GRCh37 (hg19) VCF-style: chr13-39358883-G-A.
Other names: short protein forms G1986E.
Identifiers: ClinVar variation 2185098 (VCV002185098.1), dbSNP rs111283083, ClinGen allele CA6955391.